The following is an entry in ClinVar:

ClinVar aggregate classification (germline): Pathogenic (1 of 4 stars; one submission).

Submission:

Labcorp Genetics (formerly Invitae), Labcorp
Classification: Pathogenic. Last evaluated: 2022-07-29. Review status: criteria provided, single submitter. Criteria: Invitae Variant Classification Sherloc (09022015). Collection method: clinical testing. Allele origin: germline.
Comment: This variant is a gross deletion of the genomic region encompassing exon(s) 5-9 of the CYB5R3 gene, which includes the termination codon. This deletion extends beyond the assayed region for this gene and therefore may encompass additional genes. While this deletion is not anticipated to lead to nonsense mediated decay, it is expected to alter mRNA translation or result in a truncated protein product. For these reasons, this variant has been classified as Pathogenic. This variant disrupts a region of the CYB5R3 protein in which other variant(s) (p.Val253Met) have been determined to be pathogenic (PMID: 11159544, 11295830, 12756024, 16310381, 21349748). This suggests that this is a clinically significant region of the protein, and that variants that disrupt it are likely to be disease-causing. This variant has not been reported in the literature in individuals affected with CYB5R3-related conditions.

Literature cited by the submitters: PubMed 11159544; PubMed 11295830; PubMed 12756024; PubMed 16310381; PubMed 21349748.

NC_000022.10:g.(?_43015779)_(43024307_?)del

Gene: CYB5R3 (cytochrome b5 reductase 3; minus strand). Cytogenetic location: 22q13.2.
Variant type: Deletion.
Identifiers: ClinVar variation 2423027 (VCV002423027.4).